The following is an entry in ClinVar:

NM_004370.6(COL12A1):c.3137C>T (p.Thr1046Ile)

Gene: COL12A1 (collagen type XII alpha 1 chain; minus strand). Cytogenetic location: 6q13.
Variant type: single nucleotide variant.
Coding change: c.3137C>T on transcript NM_004370.6 (MANE Select); coding-DNA position 3137, C replaced by T.
Protein change: p.Thr1046Ile; replaces threonine 1046 with isoleucine.
Molecular consequence: missense variant. On other transcripts: intron variant (2).
Genome position (GRCh38, 1-based): chr6:75,156,370, G>A on the plus strand (C>T on the coding strand, the complement: COL12A1 is on the minus strand). VCF-style: chr6-75156370-G-A. GRCh37 (hg19) VCF-style: chr6-75866086-G-A.
Other names: c.74-3888C>T (NM_001424116.1, NM_080645.3); c.3137C>T, p.Thr1046Ile (NM_001424113.1, NM_001424114.1); c.2864C>T, p.Thr955Ile (NM_001424115.1); short protein forms T1046I, T955I.
Identifiers: ClinVar variation 2921615 (VCV002921615.3), dbSNP rs2533426385, ClinGen allele CA364753910.

ClinVar aggregate classification (germline): Uncertain significance (1 of 4 stars; one submission).

Conditions:
Ullrich congenital muscular dystrophy 2 (UCMD2). Identifiers: Orphanet 75840, MedGen C4225314, MONDO:0014654, OMIM 616470.
Bethlem myopathy 2 (BTHLM2). Identifiers: Orphanet 536516, Orphanet 610, MedGen C4225313, MONDO:0034022, OMIM 616471.

gnomAD v4.1: 1 of 1,613,980 alleles (0.000062%); highest among the groups gnomAD compares: Non-Finnish European, 0.000085%; no homozygotes.

Submission:

Labcorp Genetics (formerly Invitae), Labcorp
Classification: Uncertain significance for Bethlem myopathy 2; Ullrich congenital muscular dystrophy 2. Last evaluated: 2024-01-11. Review status: criteria provided, single submitter. Criteria: Invitae Variant Classification Sherloc (09022015). Collection method: clinical testing. Allele origin: germline.
Comment: This sequence change replaces threonine, which is neutral and polar, with isoleucine, which is neutral and non-polar, at codon 1046 of the COL12A1 protein (p.Thr1046Ile). This variant is not present in population databases (gnomAD no frequency). This variant has not been reported in the literature in individuals affected with COL12A1-related conditions. Advanced modeling of protein sequence and biophysical properties (such as structural, functional, and spatial information, amino acid conservation, physicochemical variation, residue mobility, and thermodynamic stability) performed at Invitae indicates that this missense variant is not expected to disrupt COL12A1 protein function with a negative predictive value of 80%. In summary, the available evidence is currently insufficient to determine the role of this variant in disease. Therefore, it has been classified as a Variant of Uncertain Significance.